The following is an entry in ClinVar:

ClinVar aggregate classification (germline): Likely pathogenic (1 of 4 stars; one submission).

Conditions:
Primary dilated cardiomyopathy (DCM). Also called: Dilated Cardiomyopathy. Identifiers: Orphanet 217604, MedGen C0007193, MeSH D002311, MONDO:0005021, HP:0001644. Inheritance: Various modes of inheritance.

gnomAD v4.1: 15 of 1,613,634 alleles (0.00093%); highest among the groups gnomAD compares: Non-Finnish European, 0.0012%; no homozygotes.

Submission:

Victorian Clinical Genetics Services, Murdoch Childrens Research Institute
Classification: Likely pathogenic for Primary dilated cardiomyopathy. Last evaluated: 2025-01-15. Review status: criteria provided, single submitter. Criteria: ACMG Guidelines, 2015. Collection method: clinical testing. Allele origin: germline. Affected: yes.
Comment: This variant is classified as Likely pathogenic. Evidence in support of pathogenic classification: Variant is predicted to result in a truncated protein (premature termination codon is NOT located at least 54 nucleotides upstream of the final exon-exon junction) with at least 1/3 of the protein sequence affected; Variant is present in gnomAD <0.001 for a dominant condition (v4: 15 heterozygote(s), 0 homozygote(s)); Other protein truncating variant(s) comparable to the one identified in this case have moderate previous evidence for pathogenicity (PMID: 38950288). Additional information: This variant is heterozygous; This gene is associated with autosomal dominant disease; Alternative truncating variant(s) are present in gnomAD (Highest alelle count: v4: 171 heterozygote(s), 0 homozygote(s)) ; This variant has no previous evidence of pathogenicity; No published segregation evidence has been identified for this variant; No published functional evidence has been identified for this variant; Variant is predicted to truncate all of the annotated DUF458 domain (DECIPHER); Loss of function is likely the mechanism of disease in this gene and is associated with dilated cardiomyopathy (MONDO: 0005021), C10orf71-related (PMID: 38950288); Inheritance information for this variant is not currently available in this individual.

Literature cited by the submitters: PubMed 38950288.

NM_001135196.2(C10orf71):c.1399C>T (p.Arg467Ter)

Gene: C10orf71 (chromosome 10 open reading frame 71; plus strand). Cytogenetic location: 10q11.23.
Variant type: single nucleotide variant.
Coding change: c.1399C>T on transcript NM_001135196.2 (MANE Select); coding-DNA position 1399, C replaced by T.
Protein change: p.Arg467Ter; replaces arginine 467 with a stop codon.
Molecular consequence: nonsense.
Genome position (GRCh38, 1-based): chr10:49,323,944, C>T. VCF-style: chr10-49323944-C-T. GRCh37 (hg19) VCF-style: chr10-50531989-C-T.
Other names: short protein forms R467*.
Identifiers: ClinVar variation 4531453 (VCV004531453.1).